The following is an entry in ClinVar:

NM_001393769.1(MED12L):c.4970G>A (p.Arg1657Gln)

Gene: MED12L (mediator complex subunit 12L; plus strand). Cytogenetic location: 3q25.1.
Variant type: single nucleotide variant.
Coding change: c.4970G>A on transcript NM_001393769.1 (MANE Select); coding-DNA position 4970, G replaced by A.
Protein change: p.Arg1657Gln; replaces arginine 1657 with glutamine.
Molecular consequence: missense variant.
Genome position (GRCh38, 1-based): chr3:151,385,073, G>A. VCF-style: chr3-151385073-G-A. GRCh37 (hg19) VCF-style: chr3-151102861-G-A.
Other names: c.4865G>A, p.Arg1622Gln (NM_053002.6); c.4865G>A (NM_053002.4); short protein forms R1622Q, R1657Q.
Identifiers: ClinVar variation 2163200 (VCV002163200.3), dbSNP rs189535205, ClinGen allele CA2668688.

ClinVar aggregate classification (germline): Conflicting classifications of pathogenicity. Review status: criteria provided, conflicting classifications (1 of 4 stars). 2 submissions from 2 submitters: Uncertain significance (1); Likely benign (1). Last evaluated 2023-02-28.

Conditions:
Inborn genetic diseases. Identifiers: MedGen C0950123, MeSH D030342.

Allele frequency attached by ClinVar (database versions not stated): gnomAD exomes 0.00002; TOPMed 0.00004; gnomAD 0.00005; ExAC 0.00008; ESP Exome Variant Server 0.00008; 1000 Genomes Project 30x 0.00031; 1000 Genomes Project 0.00040.
gnomAD v4.1: 40 of 1,610,378 alleles (0.0025%); highest among the groups gnomAD compares: East Asian, 0.031%; no homozygotes.

Submissions (2):

Ambry Genetics
Classification: Likely benign for Inborn genetic diseases. Last evaluated: 2023-02-28. Review status: criteria provided, single submitter. Criteria: Ambry Variant Classification Scheme 2023. Collection method: clinical testing. Allele origin: germline.

Labcorp Genetics (formerly Invitae), Labcorp
Classification: Uncertain significance. Last evaluated: 2022-03-15. Review status: criteria provided, single submitter. Criteria: Invitae Variant Classification Sherloc (09022015). Collection method: clinical testing. Allele origin: germline.
Comment: This sequence change replaces arginine, which is basic and polar, with glutamine, which is neutral and polar, at codon 1622 of the MED12L protein (p.Arg1622Gln). This variant is present in population databases (rs189535205, gnomAD 0.06%), and has an allele count higher than expected for a pathogenic variant. This variant has not been reported in the literature in individuals affected with MED12L-related conditions. Algorithms developed to predict the effect of missense changes on protein structure and function output the following: SIFT: "Deleterious"; PolyPhen-2: "Benign"; Align-GVGD: "Class C35". The glutamine amino acid residue is found in multiple mammalian species, which suggests that this missense change does not adversely affect protein function. In summary, the available evidence is currently insufficient to determine the role of this variant in disease. Therefore, it has been classified as a Variant of Uncertain Significance.